The following is an entry in ClinVar:

ClinVar aggregate classification (germline): Uncertain significance. Review status: criteria provided, multiple submitters, no conflicts (2 of 4 stars). 3 submissions from 3 submitters: Uncertain significance (3). Last evaluated 2025-11-11.

Conditions:
Fanconi anemia, complementation group W. Identifiers: MedGen C4521564, MONDO:0044325, OMIM 617784.

Allele frequency attached by ClinVar (database versions not stated): ExAC 0.00006; gnomAD 0.00015; gnomAD exomes 0.00019; ESP Exome Variant Server 0.00008; TOPMed 0.00010.
gnomAD v4.1: 290 of 1,608,148 alleles (0.018%); highest among the groups gnomAD compares: Non-Finnish European, 0.024%; no homozygotes.

Submissions (3):

Labcorp Genetics (formerly Invitae), Labcorp
Classification: Uncertain significance. Last evaluated: 2025-11-11. Review status: criteria provided, single submitter. Criteria: Invitae Variant Classification Sherloc (09022015). Collection method: clinical testing. Allele origin: germline.
Comment: This sequence change replaces glutamine, which is neutral and polar, with histidine, which is basic and polar, at codon 577 of the RFWD3 protein (p.Gln577His). This variant is present in population databases (rs200900059, gnomAD 0.02%). This variant has not been reported in the literature in individuals affected with RFWD3-related conditions. ClinVar contains an entry for this variant (Variation ID: 2073923). An algorithm developed to predict the effect of missense changes on protein structure and function (PolyPhen-2) suggests that this variant is likely to be tolerated. In summary, the available evidence is currently insufficient to determine the role of this variant in disease. Therefore, it has been classified as a Variant of Uncertain Significance.

Ambry Genetics
Classification: Uncertain significance. Last evaluated: 2025-04-12. Review status: criteria provided, single submitter. Criteria: Ambry Variant Classification Scheme 2023. Collection method: clinical testing. Allele origin: germline.

Department of Pathology and Laboratory Medicine, Sinai Health System
Classification: Uncertain significance for Fanconi anemia, complementation group W. Last evaluated: 2021-07-30. Review status: criteria provided, single submitter. Criteria: ACMG Guidelines, 2015. Collection method: research. Allele origin: germline.

NM_018124.4(RFWD3):c.1731G>T (p.Gln577His)

Gene: RFWD3 (ring finger and WD repeat domain 3; minus strand). Cytogenetic location: 16q23.1.
Variant type: single nucleotide variant.
Coding change: c.1731G>T on transcript NM_018124.4 (MANE Select); coding-DNA position 1731, G replaced by T.
Protein change: p.Gln577His; replaces glutamine 577 with histidine.
Molecular consequence: missense variant. On other transcripts: intron variant (1).
Genome position (GRCh38, 1-based): chr16:74,630,804, C>A on the plus strand (G>T on the coding strand, the complement: RFWD3 is on the minus strand). VCF-style: chr16-74630804-C-A. GRCh37 (hg19) VCF-style: chr16-74664702-C-A.
Other names: c.1731G>T, p.Gln577His (NM_001370534.1, NM_001370535.1); c.897G>T, p.Gln299His (NM_001370537.1, NM_001370539.1, NM_001370540.1 and 3 more transcripts); c.1577+1719G>T (NM_001370536.1); short protein forms Q299H, Q577H.
Identifiers: ClinVar variation 2073923 (VCV002073923.7), dbSNP rs200900059, ClinGen allele CA8169092.